The following is an entry in ClinVar:

ClinVar aggregate classification (germline): Likely benign. Review status: criteria provided, multiple submitters, no conflicts (2 of 4 stars). 5 submissions from 5 submitters: Likely benign (3). 2 of the submissions do not count toward it. Last evaluated 2026-01-19.

Conditions:
FAT1-related disorder. Also called: FAT1-related condition.

Allele frequency attached by ClinVar (database versions not stated): 1000 Genomes Project 30x 0.00281; 1000 Genomes Project 0.00319; ExAC 0.00365; gnomAD exomes 0.00365; gnomAD 0.00476 and 0.00490; TOPMed 0.00493; ESP Exome Variant Server 0.00709.

Submissions (5):

Labcorp Genetics (formerly Invitae), Labcorp
Classification: Likely benign. Last evaluated: 2026-01-19. Review status: criteria provided, single submitter. Criteria: Invitae Variant Classification Sherloc (09022015). Collection method: clinical testing. Allele origin: germline.

Blueprint Genetics
Classification: Likely benign. Last evaluated: 2024-11-13. Review status: criteria provided, single submitter. Criteria: ACMG Guidelines, 2015. Collection method: clinical testing. Allele origin: germline.

CeGaT Center for Human Genetics Tuebingen
Classification: Likely benign. Last evaluated: 2023-12-01. Review status: criteria provided, single submitter. Criteria: CeGaT Center For Human Genetics Tuebingen Variant Classification Criteria Version 2. Collection method: clinical testing. Allele origin: germline. Affected: yes. Observed: 4 variant alleles.
Comment: FAT1: BS2

PreventionGenetics, part of Exact Sciences
Classification: Likely benign for FAT1-related condition. Last evaluated: 2020-02-06. Review status: no assertion criteria provided. Collection method: clinical testing. Allele origin: germline. Not counted in ClinVar's aggregate classification.
Comment: This variant is classified as likely benign based on ACMG/AMP sequence variant interpretation guidelines (Richards et al. 2015 PMID: 25741868, with internal and published modifications).

Department of Pathology and Laboratory Medicine, Sinai Health System
Classification: Likely benign. Review status: no assertion criteria provided. Collection method: clinical testing. Allele origin: unknown. Affected: yes. Study: The Canadian Open Genetics Repository (COGR). Not counted in ClinVar's aggregate classification.
Comment: The FAT1 p.Val295Met variant was not identified in the literature nor was it identified in ClinVar, Cosmic, MutDB or LOVD 3.0. The variant was identified in control databases in 1037 of 280556 chromosomes (3 homozygous) at a frequency of 0.003696 increasing the likelihood this could be a low frequency benign variant (Genome Aggregation Database Feb 27, 2017). The variant was observed in the following populations: European (non-Finnish) in 801 of 128368 chromosomes (freq: 0.00624), African in 92 of 24192 chromosomes (freq: 0.003803), Latino in 80 of 35370 chromosomes (freq: 0.002262), Other in 13 of 7134 chromosomes (freq: 0.001822), European (Finnish) in 37 of 25012 chromosomes (freq: 0.001479), Ashkenazi Jewish in 6 of 10344 chromosomes (freq: 0.00058), South Asian in 6 of 30600 chromosomes (freq: 0.000196) and East Asian in 2 of 19536 chromosomes (freq: 0.000102). The c.883G>A variant was found outside of the splicing consensus sequence and in silico prediction software programs do not predict a difference in splicing. However this information is not predictive enough to rule out pathogenicity. The p.V295 variant is not conserved in mammals and computational analyses provide inconsistent predictions regarding the impact to the protein; this evidence is not very predictive of pathogenicity. In summary, based on the above information the clinical significance of this variant cannot be determined with certainty at this time although we would lean towards a more benign role for this variant. This variant is classified as likely benign.

NM_005245.4(FAT1):c.883G>A (p.Val295Met)

Gene: FAT1 (FAT atypical cadherin 1; minus strand). Cytogenetic location: 4q35.2.
Variant type: single nucleotide variant.
Coding change: c.883G>A on transcript NM_005245.4 (MANE Select); coding-DNA position 883, G replaced by A.
Protein change: p.Val295Met; replaces valine 295 with methionine.
Molecular consequence: missense variant.
Genome position (GRCh38, 1-based): chr4:186,708,945, C>T on the plus strand (G>A on the coding strand, the complement: FAT1 is on the minus strand). VCF-style: chr4-186708945-C-T. GRCh37 (hg19) VCF-style: chr4-187630099-C-T.
Other names: short protein forms V295M.
Identifiers: ClinVar variation 790398 (VCV000790398.36), dbSNP rs61733573, ClinGen allele CA3167572.